The following is an entry in ClinVar:

NM_006005.3(WFS1):c.712+243G>A

Gene: WFS1 (wolframin ER transmembrane glycoprotein; plus strand). Cytogenetic location: 4p16.1.
Variant type: single nucleotide variant.
Coding change: c.712+243G>A on transcript NM_006005.3 (MANE Select); 243 bases into the intron after coding-DNA position 712, G replaced by A.
Molecular consequence: intron variant.
Genome position (GRCh38, 1-based): chr4:6,292,240, G>A. VCF-style: chr4-6292240-G-A. GRCh37 (hg19) VCF-style: chr4-6293967-G-A.
Other names: c.712+243G>A (NM_001145853.1).
Identifiers: ClinVar variation 670300 (VCV000670300.1), dbSNP rs4416547, ClinGen allele CA11634625.
Genomic context (GRCh38, chr4:6,292,240, plus strand): 5'-GTCCGTTTGGGGCTCAGTGTTCTGGACGCTGGGAGTAGACCCTGCCCACCTGGAGCGCAC[G>A]CACTGGAGGGAAGGCAGACCCAGGACAGAAACCATGATGTGCCAGTCCCTCTTGGACAAG-3'

ClinVar aggregate classification (germline): Benign (1 of 4 stars; one submission).

Allele frequency attached by ClinVar (database versions not stated): gnomAD 0.63271 and 0.64088; TOPMed 0.65050; 1000 Genomes Project 30x 0.72736; 1000 Genomes Project 0.72863.
gnomAD v4.1: 97,120 of 151,836 alleles (64%); highest among the groups gnomAD compares: East Asian, 94%; 31,663 homozygotes.

Submission:

GeneDx
Classification: Benign. Last evaluated: 2018-06-14. Review status: criteria provided, single submitter. Criteria: GeneDx Variant Classification (06012015). Collection method: clinical testing. Allele origin: germline. Affected: yes.
Comment: This variant is considered likely benign or benign based on one or more of the following criteria: it is a conservative change, it occurs at a poorly conserved position in the protein, it is predicted to be benign by multiple in silico algorithms, and/or has population frequency not consistent with disease.